The following is an entry in ClinVar:

ClinVar aggregate classification (germline): Benign. Review status: criteria provided, multiple submitters, no conflicts (2 of 4 stars). 13 submissions from 13 submitters: Benign (11). 2 of the submissions do not count toward it. Last evaluated 2026-06-12.

Conditions:
Hereditary spastic paraplegia 7 (SPG7). Also called: Spastic paraplegia 7; Hereditary spastic paraplegia Paraplegin type; SPG7-related neurologic disorder; Autosomal recessive spastic paraplegia type 7; SPASTIC PARAPLEGIA 7, AUTOSOMAL RECESSIVE, WITH OR WITHOUT CEREBELLAR ATAXIA. Identifiers: Orphanet 99013, MedGen C1846564, MONDO:0011803, OMIM 607259.

Allele frequency attached by ClinVar (database versions not stated): ESP Exome Variant Server 0.43744; TOPMed 0.45940; 1000 Genomes Project 30x 0.52420; 1000 Genomes Project 0.52935.
gnomAD v4.1: 723,041 of 1,613,650 alleles (45%); highest among the groups gnomAD compares: East Asian, 69%; 165,563 homozygotes.

Submissions (13):

Women's Health and Genetics/Laboratory Corporation of America, LabCorp
Classification: Benign. Last evaluated: 2026-06-12. Review status: criteria provided, single submitter. Criteria: LabCorp Variant Classification Summary - May 2015. Collection method: clinical testing. Allele origin: germline.

Labcorp Genetics (formerly Invitae), Labcorp
Classification: Benign for Hereditary spastic paraplegia 7. Last evaluated: 2026-02-04. Review status: criteria provided, single submitter. Criteria: Invitae Variant Classification Sherloc (09022015). Collection method: clinical testing. Allele origin: germline.

Blueprint Genetics
Classification: Benign. Last evaluated: 2024-11-27. Review status: criteria provided, single submitter. Criteria: ACMG Guidelines, 2015. Collection method: clinical testing. Allele origin: germline.

Mayo Clinic Laboratories, Mayo Clinic
Classification: Benign. Last evaluated: 2022-10-27. Review status: criteria provided, single submitter. Criteria: ACMG Guidelines, 2015. Collection method: clinical testing. Allele origin: germline. Observed: 1,704 variant alleles.

Genome-Nilou Lab
Classification: Benign for Hereditary spastic paraplegia 7. Last evaluated: 2021-07-15. Review status: criteria provided, single submitter. Criteria: ACMG Guidelines, 2015. Collection method: clinical testing. Allele origin: germline. Affected: no.

Illumina Laboratory Services, Illumina
Classification: Benign for Hereditary spastic paraplegia 7. Last evaluated: 2018-01-13. Review status: criteria provided, single submitter. Criteria: ICSL Variant Classification Criteria 13 December 2019. Collection method: clinical testing. Allele origin: germline.
Comment: This variant was observed in the ICSL laboratory as part of a predisposition screen in an ostensibly healthy population. It had not been previously curated by ICSL or reported in the Human Gene Mutation Database (HGMD: prior to June 1st, 2018), and was therefore a candidate for classification through an automated scoring system. Utilizing variant allele frequency, disease prevalence and penetrance estimates, and inheritance mode, an automated score was calculated to assess if this variant is too frequent to cause the disease. Based on the score and internal cut-off values, a variant classified as benign is not then subjected to further curation. The score for this variant resulted in a classification of benign for this disease.

Athena Diagnostics
Classification: Benign for Hereditary spastic paraplegia 7. Last evaluated: 2017-04-14. Review status: criteria provided, single submitter. Criteria: Athena Diagnostics Criteria. Collection method: clinical testing. Allele origin: germline.

Clinical Genetics DNA and cytogenetics Diagnostics Lab, Erasmus MC, Erasmus Medical Center
Classification: Benign for Hereditary spastic paraplegia 7. Last evaluated: 2017-03-27. Review status: criteria provided, single submitter. Criteria: ACGS Guidelines, 2013. Collection method: clinical testing. Allele origin: germline. Affected: yes. Study: VKGL Data-share Consensus.

GeneDx
Classification: Benign. Last evaluated: 2015-03-03. Review status: criteria provided, single submitter. Criteria: GeneDx Variant Classification Process June 2021. Collection method: clinical testing. Allele origin: germline. Affected: yes.

Breakthrough Genomics
Classification: Benign. Review status: criteria provided, single submitter. Criteria: ACMG Guidelines, 2015. Collection method: not provided. Allele origin: germline. Inheritance: Autosomal recessive inheritance. Affected: yes.

PreventionGenetics, part of Exact Sciences
Classification: Benign. Review status: criteria provided, single submitter. Criteria: ACMG Guidelines, 2015. Collection method: clinical testing. Allele origin: germline.

Diagnostic Laboratory, Department of Genetics, University Medical Center Groningen
Classification: Benign for Hereditary spastic paraplegia 7. Review status: no assertion criteria provided. Collection method: clinical testing. Allele origin: germline. Affected: yes. Study: VKGL Data-share Consensus. Not counted in ClinVar's aggregate classification.

Joint Genome Diagnostic Labs from Nijmegen and Maastricht, Radboudumc and MUMC+
Classification: Benign. Review status: no assertion criteria provided. Collection method: clinical testing. Allele origin: germline. Affected: yes. Study: VKGL Data-share Consensus. Not counted in ClinVar's aggregate classification.

NM_003119.4(SPG7):c.987+5A>G

Gene: SPG7 (SPG7 matrix AAA peptidase subunit, paraplegin; plus strand). Cytogenetic location: 16q24.3.
Variant type: single nucleotide variant.
Coding change: c.987+5A>G on transcript NM_003119.4 (MANE Select); 5 bases into the intron after coding-DNA position 987, A replaced by G.
Molecular consequence: intron variant.
Genome position (GRCh38, 1-based): chr16:89,530,813, A>G. VCF-style: chr16-89530813-A-G. GRCh37 (hg19) VCF-style: chr16-89597221-A-G.
Other names: c.987+5A>G (NM_001363850.1, NM_199367.3).
Identifiers: ClinVar variation 258911 (VCV000258911.27), dbSNP rs4785691, ClinGen allele CA8243863.